The following is an entry in ClinVar:

ClinVar aggregate classification (germline): Likely pathogenic (1 of 4 stars; one submission).

Conditions:
Cardiomyopathy (CMYO). Also called: Cardiomyopathies. Identifiers: Orphanet 167848, MedGen C0878544, MONDO:0004994, HP:0001638. Inheritance: Various modes of inheritance.

gnomAD v4.1: 2 of 1,612,836 alleles (0.00012%); highest among the groups gnomAD compares: Non-Finnish European, 0.00017%; no homozygotes.

Submission:

Women's Health and Genetics/Laboratory Corporation of America, LabCorp
Classification: Likely pathogenic for Cardiomyopathy. Last evaluated: 2025-01-28. Review status: criteria provided, single submitter. Criteria: LabCorp Variant Classification Summary - May 2015. Collection method: clinical testing. Allele origin: germline.
Comment: Variant summary: TTN c.29323G>T (p.Glu9775X) results in a premature termination codon, predicted to cause a truncation of the encoded protein or absence of the protein due to nonsense mediated decay, which are commonly known mechanisms for disease. Loss of function variants in all TTN bands are strongly associated with a spectrum of autosomal recessive titinopathies when exon expression (proportion spliced in, PSI, 1=complete expression) in skeletal muscle is >0.1 (PMID: 36977548, 39198997, 29598826, 32778822, 29691892, 33449170, 36977548, internal data). In contrast, loss of function variants in all TTN bands are only strongly associated with autosomal dominant TTN-related cardiomyopathies if located in exons constitutively expressed (PSI >0.9) in cardiac muscle, excluding extreme C-terminal exons 359-363 (PMID: 25589632, 31216868, 32964742, 34662387, 27869827, Shetty et al., Nat Cardiovasc Res 2024,, internal data). This variant has a maximum skeletal muscle PSI of 0.772 and a maximum cardiac muscle PSI of 0.760. The variant was absent in 248756 control chromosomes. To our knowledge, no occurrence of c.29323G>T in individuals affected with TTN-related conditions and no experimental evidence demonstrating its impact on protein function have been reported. ClinVar contains an entry for this variant (Variation ID: 917623). Based on the evidence outline above, the variant has been classified as Likely Pathogenic for autosomal recessive TTN-related conditions.

NM_001267550.2(TTN):c.33055G>T (p.Glu11019Ter)

Gene: TTN (titin; minus strand). Cytogenetic location: 2q31.2.
Variant type: single nucleotide variant.
Coding change: c.33055G>T on transcript NM_001267550.2 (MANE Select); coding-DNA position 33055, G replaced by T.
Protein change: p.Glu11019Ter; replaces glutamic acid 11019 with a stop codon.
Molecular consequence: nonsense. On other transcripts: intron variant (3).
Genome position (GRCh38, 1-based): chr2:178,682,736, C>A on the plus strand (G>T on the coding strand, the complement: TTN is on the minus strand). VCF-style: chr2-178682736-C-A. GRCh37 (hg19) VCF-style: chr2-179547463-C-A.
Other names: c.32104G>T, p.Glu10702Ter (NM_001256850.1); c.29323G>T, p.Glu9775Ter (NM_133378.4); c.13283-40419G>T (NM_003319.4); c.13859-40419G>T (NM_133437.4); c.13658-40419G>T (NM_133432.3); short protein forms E9775*, E10702*, E11019*.
Identifiers: ClinVar variation 917623 (VCV000917623.3), dbSNP rs1372770028, ClinGen allele CA349541082.